The following is an entry in ClinVar:

ClinVar aggregate classification (germline): Uncertain significance (1 of 4 stars; one submission).

Submission:

Dasa
Classification: Uncertain significance. Last evaluated: 2025-07-10. Review status: criteria provided, single submitter. Criteria: DASA Assertion Criteria. Collection method: clinical testing. Allele origin: germline.
Comment: NM_000254.3(MTR):c.3796dup (p.*1266Leuext*23) is a nonsense variant in MTR predicted to introduce a premature termination codon. This variant is absent from population databases. The currently available literature and clinical evidence are not sufficient to establish a definitive association between this variant and the reported condition. Therefore, this variant is classified as a variant of uncertain significance.

NM_000254.3(MTR):c.3796dup (p.Ter1266LeuextTer?)

Gene: MTR (5-methyltetrahydrofolate-homocysteine methyltransferase; plus strand). Cytogenetic location: 1q43.
Variant type: Duplication.
Coding change: c.3796dup on transcript NM_000254.3 (MANE Select); coding-DNA position 3796, one base duplicated (T; older notation c.3796dupT).
Protein change: p.Ter1266LeuextTer?.
Molecular consequence: frameshift variant, stop lost.
Genome position (GRCh38, 1-based): chr1:236,897,642, T duplicated. VCF-style (leftmost placement, unchanged base first): chr1-236897641-C-CT. GRCh37 (hg19) VCF-style: chr1-237060941-C-CT.
Other names: c.3607dup, p.Ter1203LeuextTer? (NM_001410942.1); c.3643dup, p.Ter1215LeuextTer? (NM_001291939.1); c.2575dup, p.Ter859LeuextTer? (NM_001291940.2).
Identifiers: ClinVar variation 4883881 (VCV004883881.2).
Genomic context (GRCh38, chr1:236,897,641, plus strand): 5'-GAACATATCTGTGGCTGAGGTTGAGAAATGGCTTGGACCCATTTTGGGATATGATACAGA[C>CT]TAACTTTTTTTTTTTTTTTGCCTTTTTTATTCTTGATGATCCTCAAGGAAATACAACCTA-3'